The following is an entry in ClinVar:

ClinVar aggregate classification (germline): Uncertain significance (1 of 4 stars; one submission).

Conditions:
Cardiomyopathy (CMYO). Also called: Cardiomyopathies. Identifiers: Orphanet 167848, MedGen C0878544, MONDO:0004994, HP:0001638. Inheritance: Various modes of inheritance.

Submission:

Color Diagnostics, LLC DBA Color Health
Classification: Uncertain significance for Cardiomyopathy. Last evaluated: 2024-01-03. Review status: criteria provided, single submitter. Criteria: ACMG Guidelines, 2015. Collection method: clinical testing. Allele origin: germline.
Comment: This variant deletes 1 nucleotide in exon 3 of the DSC2 gene, creating a frameshift and premature translation stop signal. This variant is expected to result in an absent or non-functional protein product. To our knowledge, this variant has not been reported in individuals affected with DSC2-related disorders in the literature. This variant has not been identified in the general population by the Genome Aggregation Database (gnomAD). Although there is a suspicion for a pathogenic role, the clinical relevance of loss-of-function DSC2 truncation and splice variants in autosomal dominant arrhythmogenic cardiomyopathy is not yet clearly established. The available evidence is insufficient to determine the role of this variant in autosomal dominant disease conclusively. Therefore, this variant is classified as a Variant of Uncertain Significance.

NM_024422.6(DSC2):c.338del (p.Leu113fs)

Gene: DSC2 (desmocollin 2; minus strand). Cytogenetic location: 18q12.1.
Variant type: Deletion.
Coding change: c.338del on transcript NM_024422.6 (MANE Select); coding-DNA position 338, one base deleted (T; older notation c.338delT).
Protein change: p.Leu113fs; shifts the reading frame from leucine 113.
Molecular consequence: frameshift variant. On other transcripts: 5 prime UTR variant (2).
Genome position (GRCh38, 1-based): chr18:31,092,117, A deleted on the plus strand (T on the coding strand, the reverse complement: DSC2 is on the minus strand); the first of 5 consecutive A bases (chr18:31,092,117-31,092,121); deleting any one gives the same sequence. VCF-style (leftmost placement, unchanged base first): chr18-31092116-CA-C. GRCh37 (hg19) VCF-style: chr18-28672079-CA-C.
Other names: c.-92del (NM_001406506.1, NM_001406507.1); c.338del, p.Leu113fs (NM_004949.5); short protein forms L113fs.
Identifiers: ClinVar variation 2775193 (VCV002775193.2), dbSNP rs2510955960, ClinGen allele CA2641388741.
Genomic context (GRCh38, chr18:31,092,116, plus strand): 5'-TCTGAAGAAAAGATATCATTTCTTCATTTATGTAGCCTTGTATACCTTTGTTTGATGCTC[CA>C]AAAAGACAAATATTTTCTTCTTTTCTTGGTTCTCAGTGTTGGAAAGTAATATGGTAAAAC-3'